The following is an entry in ClinVar:

NM_172107.4(KCNQ2):c.1721G>A (p.Gly574Asp)

Gene: KCNQ2 (potassium voltage-gated channel subfamily Q member 2; minus strand). Cytogenetic location: 20q13.33.
Variant type: single nucleotide variant.
Coding change: c.1721G>A on transcript NM_172107.4 (MANE Select); coding-DNA position 1721, G replaced by A.
Protein change: p.Gly574Asp; replaces glycine 574 with aspartic acid.
Molecular consequence: missense variant.
Genome position (GRCh38, 1-based): chr20:63,413,492, C>T on the plus strand (G>A on the coding strand, the complement: KCNQ2 is on the minus strand). VCF-style: chr20-63413492-C-T. GRCh37 (hg19) VCF-style: chr20-62044845-C-T.
Other names: c.1637G>A, p.Gly546Asp (NM_004518.6); c.1667G>A, p.Gly556Asp (NM_172106.3); c.1628G>A, p.Gly543Asp (NM_172108.5); short protein forms G574D, G543D, G556D, G546D.
Identifiers: ClinVar variation 205918 (VCV000205918.4), dbSNP rs796052654, ClinGen allele CA315480.

ClinVar aggregate classification (germline): Likely pathogenic. Review status: criteria provided, single submitter (1 of 4 stars). 2 submissions from 2 submitters: Likely pathogenic (1). 1 of the submissions does not count toward it. Last evaluated 2024-04-15.

Conditions:
Early-infantile DEE. Also called: Ohtahara syndrome; Early infantile epileptic encephalopathy; Early infantile epileptic encephalopathy with suppression bursts. Identifiers: Orphanet 1934, MedGen C0393706, MONDO:0800491.
Developmental and epileptic encephalopathy, 7 (DEE7). Also called: KCNQ2-Related Neonatal Epileptic Encephalopathy; Early infantile epileptic encephalopathy 7; KCNQ2-Related Neonatal-Onset Developmental and Epileptic Encephalopathy (NEO-DEE). Identifiers: Orphanet 439218, MedGen C3150986, MONDO:0013387, OMIM 613720.

Submissions (2):

Labcorp Genetics (formerly Invitae), Labcorp
Classification: Likely pathogenic for Early-infantile DEE. Last evaluated: 2024-04-15. Review status: criteria provided, single submitter. Criteria: Invitae Variant Classification Sherloc (09022015). Collection method: clinical testing. Allele origin: germline.
Comment: This sequence change replaces glycine, which is neutral and non-polar, with aspartic acid, which is acidic and polar, at codon 574 of the KCNQ2 protein (p.Gly574Asp). This variant is not present in population databases (gnomAD no frequency). This missense change has been observed in individual(s) with benign familial neonatal seizures (PMID: 28503627). ClinVar contains an entry for this variant (Variation ID: 205918). Advanced modeling of protein sequence and biophysical properties (such as structural, functional, and spatial information, amino acid conservation, physicochemical variation, residue mobility, and thermodynamic stability) performed at Invitae indicates that this missense variant is expected to disrupt KCNQ2 protein function with a positive predictive value of 95%. This variant disrupts the p.Gly574 amino acid residue in KCNQ2. Other variant(s) that disrupt this residue have been determined to be pathogenic (Invitae). This suggests that this residue is clinically significant, and that variants that disrupt this residue are likely to be disease-causing. In summary, the currently available evidence indicates that the variant is pathogenic, but additional data are needed to prove that conclusively. Therefore, this variant has been classified as Likely Pathogenic.

Laboratory of Medical Genetics, National & Kapodistrian University of Athens
Classification: Likely pathogenic for Developmental and epileptic encephalopathy, 7. Last evaluated: 2020-02-19. Review status: no assertion criteria provided. Collection method: clinical testing. Allele origin: germline. Affected: yes. Not counted in ClinVar's aggregate classification.

Literature cited by the submitters: PubMed 28503627 (cited by Labcorp Genetics (formerly Invitae), Labcorp and Laboratory of Medical Genetics, National & Kapodistrian University of Athens).